The following is an entry in ClinVar:

ClinVar aggregate classification (germline): Benign/Likely benign. Review status: criteria provided, multiple submitters, no conflicts (2 of 4 stars). 2 submissions from 2 submitters: Benign (1); Likely benign (1). Last evaluated 2025-06-01.

Allele frequency attached by ClinVar (database versions not stated): ExAC 0.00003; gnomAD 0.00005; TOPMed 0.00006; ESP Exome Variant Server 0.00015; gnomAD exomes 0.00018.
gnomAD v4.1: 276 of 1,614,076 alleles (0.017%); highest among the groups gnomAD compares: Non-Finnish European, 0.022%; 1 homozygote.

Submissions (2):

CeGaT Center for Human Genetics Tuebingen
Classification: Likely benign. Last evaluated: 2025-06-01. Review status: criteria provided, single submitter. Criteria: CeGaT Center For Human Genetics Tuebingen Variant Classification Criteria Version 2. Collection method: clinical testing. Allele origin: germline. Affected: yes. Observed: 1 variant allele.
Comment: KMT2C: BP4, BP7

Labcorp Genetics (formerly Invitae), Labcorp
Classification: Benign. Last evaluated: 2022-10-21. Review status: criteria provided, single submitter. Criteria: Invitae Variant Classification Sherloc (09022015). Collection method: clinical testing. Allele origin: germline.

NM_170606.3(KMT2C):c.9816A>G (p.Gln3272=)

Gene: KMT2C (lysine methyltransferase 2C; minus strand). Cytogenetic location: 7q36.1.
Variant type: single nucleotide variant.
Coding change: c.9816A>G on transcript NM_170606.3 (MANE Select); coding-DNA position 9816, A replaced by G.
Protein change: p.Gln3272=; no amino-acid change (glutamine 3272 retained).
Molecular consequence: synonymous variant.
Genome position (GRCh38, 1-based): chr7:152,163,761, T>C on the plus strand (A>G on the coding strand, the complement: KMT2C is on the minus strand). VCF-style: chr7-152163761-T-C. GRCh37 (hg19) VCF-style: chr7-151860846-T-C.
Identifiers: ClinVar variation 2068818 (VCV002068818.14), dbSNP rs113138058, ClinGen allele CA4579397.